The following is an entry in ClinVar:

NM_001177316.2(SLC34A3):c.1187C>A (p.Thr396Lys)

Gene: SLC34A3 (solute carrier family 34 member 3; plus strand). Cytogenetic location: 9q34.3.
Variant type: single nucleotide variant.
Coding change: c.1187C>A on transcript NM_001177316.2 (MANE Select); coding-DNA position 1187, C replaced by A.
Protein change: p.Thr396Lys; replaces threonine 396 with lysine.
Molecular consequence: missense variant.
Genome position (GRCh38, 1-based): chr9:137,234,509, C>A. VCF-style: chr9-137234509-C-A. GRCh37 (hg19) VCF-style: chr9-140128961-C-A.
Other names: c.1187C>A, p.Thr396Lys (NM_001177317.2, NM_080877.3); short protein forms T396K.
Identifiers: ClinVar variation 2987620 (VCV002987620.3), dbSNP rs138798032, ClinGen allele CA375737587.

ClinVar aggregate classification (germline): Uncertain significance (1 of 4 stars; one submission).

gnomAD v4.1: 3 of 1,604,262 alleles (0.00019%); highest among the groups gnomAD compares: South Asian, 0.0011%; no homozygotes.

Submission:

Labcorp Genetics (formerly Invitae), Labcorp
Classification: Uncertain significance. Last evaluated: 2023-12-18. Review status: criteria provided, single submitter. Criteria: Invitae Variant Classification Sherloc (09022015). Collection method: clinical testing. Allele origin: germline.
Comment: This sequence change replaces threonine, which is neutral and polar, with lysine, which is basic and polar, at codon 396 of the SLC34A3 protein (p.Thr396Lys). This variant is not present in population databases (gnomAD no frequency). This variant has not been reported in the literature in individuals affected with SLC34A3-related conditions. Advanced modeling of protein sequence and biophysical properties (such as structural, functional, and spatial information, amino acid conservation, physicochemical variation, residue mobility, and thermodynamic stability) performed at Invitae indicates that this missense variant is expected to disrupt SLC34A3 protein function with a positive predictive value of 80%. In summary, the available evidence is currently insufficient to determine the role of this variant in disease. Therefore, it has been classified as a Variant of Uncertain Significance.